The following is an entry in ClinVar:

ClinVar aggregate classification (germline): Likely benign. Review status: criteria provided, multiple submitters, no conflicts (2 of 4 stars). 10 submissions from 10 submitters: Likely benign (8). 2 of the submissions do not count toward it. Last evaluated 2026-01-28.

Conditions:
Hereditary cancer-predisposing syndrome. Also called: Tumor predisposition; Hereditary neoplastic syndrome; Neoplastic Syndromes, Hereditary; Hereditary Cancer Syndrome. Identifiers: Orphanet 140162, MedGen C0027672, MeSH D009386, MONDO:0015356.
Familial adenomatous polyposis 2. Also called: Adenomas, multiple colorectal; MUTYH-associated polyposis; MUTYH-related attenuated familial adenomatous polyposis; MUTYH Polyposis; COLORECTAL ADENOMATOUS POLYPOSIS, AUTOSOMAL RECESSIVE; ADENOMAS, MULTIPLE COLORECTAL, AUTOSOMAL RECESSIVE. Identifiers: Orphanet 220460, Orphanet 247798, MedGen C3272841, MONDO:0012041, OMIM 608456.

Allele frequency attached by ClinVar (database versions not stated): ExAC 0.00002; gnomAD exomes 0.00001; TOPMed below 0.00001; gnomAD 0.00003.
gnomAD v4.1: 27 of 1,614,092 alleles (0.0017%); highest among the groups gnomAD compares: South Asian, 0.0088%; no homozygotes.

Submissions (10):

Labcorp Genetics (formerly Invitae), Labcorp
Classification: Likely benign for Familial adenomatous polyposis 2. Last evaluated: 2026-01-28. Review status: criteria provided, single submitter. Criteria: Invitae Variant Classification Sherloc (09022015). Collection method: clinical testing. Allele origin: germline.

All of Us Research Program, National Institutes of Health
Classification: Likely benign for Familial adenomatous polyposis 2. Last evaluated: 2023-11-02. Review status: criteria provided, single submitter. Criteria: ACMG Guidelines, 2015. Collection method: clinical testing. Allele origin: germline. Inheritance: Autosomal recessive inheritance. Observed: 4 variant alleles, 4 heterozygotes.
Comment: This study involves interpretation of variants in research participants for the purpose of population health screening. Participant phenotype was not available at the time of variant classification. Additional details can be found in publication PMID: 35346344, PMCID: PMC8962531

Women's Health and Genetics/Laboratory Corporation of America, LabCorp
Classification: Likely benign. Last evaluated: 2020-01-31. Review status: criteria provided, single submitter. Criteria: LabCorp Variant Classification Summary - May 2015. Collection method: clinical testing. Allele origin: germline.

GeneDx
Classification: Likely benign. Last evaluated: 2019-05-21. Review status: criteria provided, single submitter. Criteria: GeneDx Variant Classification Process June 2021. Collection method: clinical testing. Allele origin: germline. Affected: yes.

Genetic Services Laboratory, University of Chicago
Classification: Likely benign. Last evaluated: 2018-08-23. Review status: criteria provided, single submitter. Criteria: ACMG Guidelines, 2015. Collection method: clinical testing. Allele origin: germline. Affected: no.

ARUP Laboratories, Molecular Genetics and Genomics, ARUP Laboratories
Classification: Likely benign. Last evaluated: 2018-03-17. Review status: criteria provided, single submitter. Criteria: ARUP Molecular Germline Variant Investigation Process. Collection method: clinical testing. Allele origin: germline.
Comment: The c.984C>T; p.Asp328Asp variant (rs587780752, ClinVar variant ID 135993) does not alter the amino acid sequence of the MUTYH protein and computational splice site prediction algorithms do not predict a change in the nearest splice site or creation of a cryptic splice site. This variant has not been reported in medical literature or in gene specific variation databases. This variant is listed in the genome Aggregation Database (gnomAD) with an overall population frequency of 0.001% (identified on 4 out of 277,162 chromosomes). Based on the available information, the c.984C>T variant is likely to be benign.

Color Diagnostics, LLC DBA Color Health
Classification: Likely benign for Hereditary cancer-predisposing syndrome. Last evaluated: 2017-04-07. Review status: criteria provided, single submitter. Criteria: ACMG Guidelines, 2015. Collection method: clinical testing. Allele origin: germline.

Ambry Genetics
Classification: Likely benign for Hereditary cancer-predisposing syndrome. Last evaluated: 2015-10-11. Review status: criteria provided, single submitter. Criteria: Ambry Variant Classification Scheme 2023. Collection method: clinical testing. Allele origin: germline.

Counsyl
Classification: Likely benign for Familial adenomatous polyposis 2. Last evaluated: 2016-05-25. Review status: no assertion criteria provided. Collection method: clinical testing. Allele origin: unknown. Not counted in ClinVar's aggregate classification.

Department of Pathology and Laboratory Medicine, Sinai Health System
Classification: Likely benign for Familial adenomatous polyposis 2. Review status: no assertion criteria provided. Collection method: clinical testing. Allele origin: unknown. Affected: yes. Observed: 2 variant alleles. Study: The Canadian Open Genetics Repository (COGR). Not counted in ClinVar's aggregate classification.
Comment: The MUTYH p.Asp328= variant was not identified in the literature nor was it identified in the COGR, Cosmic, MutDB, or UMD-LSDB databases. The variant was identified in dbSNP (ID: rs587780752) as "With Likely benign, Uncertain significance allele", and in ClinVar (classified as likely benign by Invitae, Counsyl, GeneDx, Ambry Genetics and Color Genomics). The variant was identified in control databases in 4 of 277162 chromosomes at a frequency of 0.00001 (Genome Aggregation Database Feb 27, 2017). The variant was observed in the following populations: European in 2 of 126666 chromosomes (freq: 0.00002), and South Asian in 2 of 30782 chromosomes (freq: 0.00007); it was not observed in the African, Other, Latino, Ashkenazi Jewish, East Asian, and Finnish, populations. The p.Asp328 variant is not expected to have clinical significance because it does not result in a change of amino acid and is not located in a known consensus splice site. The variant occurs outside of the splicing consensus sequence and 1 of 4 in silico or computational prediction software programs (SpliceSiteFinder, MaxEntScan, NNSPLICE, GeneSplicer) predict a greater than 10% difference in splicing; this is not very predictive of pathogenicity. In summary, based on the above information the clinical significance of this variant cannot be determined with certainty at this time although we would lean towards a more benign role for this variant. This variant is classified as likely benign.

NM_001048174.2(MUTYH):c.900C>T (p.Asp300=)

Gene: MUTYH (mutY DNA glycosylase; minus strand). Cytogenetic location: 1p34.1.
Variant type: single nucleotide variant.
Coding change: c.900C>T on transcript NM_001048174.2 (MANE Select); coding-DNA position 900, C replaced by T.
Protein change: p.Asp300=; no amino-acid change (aspartic acid 300 retained).
Molecular consequence: synonymous variant. On other transcripts: non-coding transcript variant (2).
Genome position (GRCh38, 1-based): chr1:45,332,036, G>A on the plus strand (C>T on the coding strand, the complement: MUTYH is on the minus strand). VCF-style: chr1-45332036-G-A. GRCh37 (hg19) VCF-style: chr1-45797708-G-A.
Other names: c.900C>T, p.Asp300= (NM_001048171.2, NM_001048173.2, NM_001293195.2); c.903C>T, p.Asp301= (NM_001048172.2); c.984C>T, p.Asp328= (NM_001128425.2); c.945C>T, p.Asp315= (NM_001293190.2); c.933C>T, p.Asp311= (NM_001293191.2); c.624C>T, p.Asp208= (NM_001293192.2, NM_001293196.2); c.555C>T, p.Asp185= (NM_001350650.2, NM_001350651.2); c.975C>T, p.Asp325= (NM_012222.3).
Identifiers: ClinVar variation 135993 (VCV000135993.32), dbSNP rs587780752, ClinGen allele CA014761.